The following is an entry in ClinVar:

ClinVar aggregate classification (germline): Uncertain significance (1 of 4 stars; one submission).

gnomAD v4.1: 30 of 1,550,428 alleles (0.0019%); highest among the groups gnomAD compares: Middle Eastern, 0.05%; no homozygotes.

Submission:

CeGaT Center for Human Genetics Tuebingen
Classification: Uncertain significance. Last evaluated: 2025-07-01. Review status: criteria provided, single submitter. Criteria: CeGaT Center For Human Genetics Tuebingen Variant Classification Criteria Version 2. Collection method: clinical testing. Allele origin: germline. Affected: yes. Observed: 1 variant allele.
Comment: OTOG: PM2, PM3:Supporting, BP4

NM_001292063.2(OTOG):c.689C>T (p.Ala230Val)

Gene: OTOG (otogelin; plus strand). Cytogenetic location: 11p15.1.
Variant type: single nucleotide variant.
Coding change: c.689C>T on transcript NM_001292063.2 (MANE Select); coding-DNA position 689, C replaced by T.
Protein change: p.Ala230Val; replaces alanine 230 with valine.
Molecular consequence: missense variant.
Genome position (GRCh38, 1-based): chr11:17,557,147, C>T. VCF-style: chr11-17557147-C-T. GRCh37 (hg19) VCF-style: chr11-17578694-C-T.
Other names: c.725C>T, p.Ala242Val (NM_001277269.2); short protein forms A230V, A242V.
Identifiers: ClinVar variation 4083641 (VCV004083641.8).